The following is an entry in ClinVar:

NM_003246.4(THBS1):c.3351G>A (p.Lys1117=)

Genes: THBS1 (thrombospondin 1; plus strand), LOC126862110 (MED14-independent group 3 enhancer GRCh37_chr15:39885600-39886799; plus strand). Cytogenetic location: 15q14.
Variant type: single nucleotide variant.
Coding change: c.3351G>A on transcript NM_003246.4 (MANE Select); coding-DNA position 3351, G replaced by A.
Protein change: p.Lys1117=; no amino-acid change (lysine 1117 retained).
Molecular consequence: synonymous variant.
Genome position (GRCh38, 1-based): chr15:39,594,182, G>A. VCF-style: chr15-39594182-G-A. GRCh37 (hg19) VCF-style: chr15-39886383-G-A.
Identifiers: ClinVar variation 729190 (VCV000729190.5), dbSNP rs112165137, ClinGen allele CA7472438.

ClinVar aggregate classification (germline): Benign. Review status: criteria provided, multiple submitters, no conflicts (2 of 4 stars). 3 submissions from 3 submitters: Benign (3). Last evaluated 2025-10-10.

Conditions:
THBS1-related disorder. Also called: THBS1-related condition.

Allele frequency attached by ClinVar (database versions not stated): TOPMed 0.00220; gnomAD 0.00235 and 0.00250; ESP Exome Variant Server 0.00300; gnomAD exomes 0.00033 and 0.00064; ExAC 0.00086; 1000 Genomes Project 30x 0.00172; 1000 Genomes Project 0.00200.
gnomAD v4.1: 892 of 1,614,194 alleles (0.055%); highest among the groups gnomAD compares: African/African-American, 0.76%; 7 homozygotes.

Submissions (3):

PreventionGenetics, part of Exact Sciences
Classification: Benign for THBS1-related condition. Last evaluated: 2025-10-10. Review status: criteria provided, single submitter. Criteria: ACMG Guidelines, 2015. Collection method: clinical testing. Allele origin: germline.
Comment: This variant is classified as benign based on ACMG/AMP sequence variant interpretation guidelines (Richards et al. 2015 PMID: 25741868, with internal and published modifications).

Labcorp Genetics (formerly Invitae), Labcorp
Classification: Benign. Last evaluated: 2018-08-30. Review status: criteria provided, single submitter. Criteria: Invitae Variant Classification Sherloc (09022015). Collection method: clinical testing. Allele origin: germline.

Breakthrough Genomics
Classification: Benign. Review status: criteria provided, single submitter. Criteria: ACMG Guidelines, 2015. Collection method: not provided. Allele origin: germline. Inheritance: Unknown mechanism. Affected: yes.